The following is an entry in ClinVar:

NM_001365088.1(SLC12A6):c.1318A>G (p.Ser440Gly)

Gene: SLC12A6 (solute carrier family 12 member 6; minus strand). Cytogenetic location: 15q14.
Variant type: single nucleotide variant.
Coding change: c.1318A>G on transcript NM_001365088.1 (MANE Select); coding-DNA position 1318, A replaced by G.
Protein change: p.Ser440Gly; replaces serine 440 with glycine.
Molecular consequence: missense variant.
Genome position (GRCh38, 1-based): chr15:34,252,185, T>C on the plus strand (A>G on the coding strand, the complement: SLC12A6 is on the minus strand). VCF-style: chr15-34252185-T-C. GRCh37 (hg19) VCF-style: chr15-34544386-T-C.
Other names: c.1141A>G, p.Ser381Gly (NM_001042494.2, NM_001042495.2); c.1291A>G, p.Ser431Gly (NM_001042496.2); c.1273A>G, p.Ser425Gly (NM_001042497.2); c.1165A>G, p.Ser389Gly (NM_005135.2); c.1318A>G, p.Ser440Gly (NM_133647.2); short protein forms S431G, S381G, S425G, S440G, S389G.
Identifiers: ClinVar variation 1437362 (VCV001437362.5), dbSNP rs1892438412, ClinGen allele CA391607099.
Genomic context (GRCh38, chr15:34,252,185, plus strand): 5'-CCCCAGAAAATAGGAAAAAACTTGTCCAATAACTCCCTAACTTACCTGTAATTATACCAC[T>C]AGCCAATCCAGGAATGCCCTGGATTGAAGTGACGTTATTGTGAACAAAGTATTCATCACA-3'
Protein context (NP_001352017.1, residues 430-450): TSIQGIPGLA[Ser440Gly]GIITENLWSN

ClinVar aggregate classification (germline): Uncertain significance (1 of 4 stars; one submission).

Allele frequency attached by ClinVar (database versions not stated): gnomAD exomes below 0.00001.
gnomAD v4.1: 1 of 1,574,648 alleles (0.000064%); highest among the groups gnomAD compares: Non-Finnish European, 0.000087%; no homozygotes.

Submission:

Labcorp Genetics (formerly Invitae), Labcorp
Classification: Uncertain significance. Last evaluated: 2021-09-30. Review status: criteria provided, single submitter. Criteria: Invitae Variant Classification Sherloc (09022015). Collection method: clinical testing. Allele origin: germline.
Comment: This sequence change replaces serine with glycine at codon 440 of the SLC12A6 protein (p.Ser440Gly). The serine residue is moderately conserved and there is a small physicochemical difference between serine and glycine. This variant is not present in population databases (ExAC no frequency). This variant has not been reported in the literature in individuals with SLC12A6-related conditions. Advanced modeling of protein sequence and biophysical properties (such as structural, functional, and spatial information, amino acid conservation, physicochemical variation, residue mobility, and thermodynamic stability) performed at Invitae indicates that this missense variant is not expected to disrupt SLC12A6 protein function. In summary, the available evidence is currently insufficient to determine the role of this variant in disease. Therefore, it has been classified as a Variant of Uncertain Significance.